The following is an entry in ClinVar:

ClinVar aggregate classification (germline): Uncertain significance (1 of 4 stars; one submission).

Conditions:
Cerebellar hypoplasia-intellectual disability-congenital microcephaly-dystonia-anemia-growth retardation syndrome. Also called: CIMDAG SYNDROME; CEREBELLAR HYPOPLASIA, CATARACTS, IMPAIRED INTELLECTUAL DEVELOPMENT, CONGENITAL MICROCEPHALY, DYSTONIA, DYSERYTHROPOIETIC ANEMIA, AND GROWTH RETARDATION. Identifiers: Orphanet 603448, MedGen C5543287, MONDO:0035819, OMIM 619273.

Submission:

Neuberg Centre For Genomic Medicine, NCGM
Classification: Uncertain significance for Cerebellar hypoplasia-intellectual disability-congenital microcephaly-dystonia-anemia-growth retardation syndrome. Review status: criteria provided, single submitter. Criteria: ACMG Guidelines, 2015. Collection method: clinical testing. Allele origin: germline. Inheritance: Autosomal dominant inheritance. Affected: yes.
Comment: The observed missense c.538G>A p.Val180Met variant in VPS4A gene has not been reported previously as a pathogenic variant nor as a benign variant, to our knowledge. The p.Val180Met variant is absent in gnomAD Exomes. This variant has not been submitted to the ClinVar database. Multiple lines of computational evidence Polyphen - Probably damaging, SIFT – Damaging and Mutation Taster - Disease causing predict a damaging effect on protein structure and function for this variant. The reference amino acid on VPS4A gene is predicted as conserved by GERP++ and PhyloP across 100 vertebrates. The amino acid Val at position 180 is changed to a Met changing protein sequence and it might alter its composition and physico-chemical properties. For these reasons, this variant has been classified as Variant of Uncertain Significance VUS.

NM_013245.3(VPS4A):c.538G>A (p.Val180Met)

Gene: VPS4A (vacuolar protein sorting 4 homolog A; plus strand). Cytogenetic location: 16q22.1.
Variant type: single nucleotide variant.
Coding change: c.538G>A on transcript NM_013245.3 (MANE Select); coding-DNA position 538, G replaced by A.
Protein change: p.Val180Met; replaces valine 180 with methionine.
Molecular consequence: missense variant.
Genome position (GRCh38, 1-based): chr16:69,319,461, G>A. VCF-style: chr16-69319461-G-A. GRCh37 (hg19) VCF-style: chr16-69353364-G-A.
Other names: short protein forms V180M.
Identifiers: ClinVar variation 3393428 (VCV003393428.1).
Genomic context (GRCh38, chr16:69,319,461, plus strand): 5'-TGGCGGGGGATTCTGCTGTTCGGACCCCCTGGCACAGGGAAATCCTACCTGGCCAAAGCC[G>A]TGGCAACAGAGGCCAACAACTCCACCTTCTTCTCTGTGTCCTCCTCAGATCTGATGTCCA-3'
Protein context (NP_037377.1, residues 170-190): GTGKSYLAKA[Val180Met]ATEANNSTFF